The following is an entry in ClinVar:

ClinVar aggregate classification (germline): Uncertain significance. Review status: criteria provided, multiple submitters, no conflicts (2 of 4 stars). 2 submissions from 2 submitters: Uncertain significance (2). Last evaluated 2025-10-01.

gnomAD v4.1: 10 of 1,613,506 alleles (0.00062%); highest among the groups gnomAD compares: Non-Finnish European, 0.00085%; no homozygotes.

Submissions (2):

CeGaT Center for Human Genetics Tuebingen
Classification: Uncertain significance. Last evaluated: 2025-10-01. Review status: criteria provided, single submitter. Criteria: CeGaT Center For Human Genetics Tuebingen Variant Classification Criteria Version 2. Collection method: clinical testing. Allele origin: germline. Affected: yes. Observed: 1 variant allele.
Comment: HEATR3: PM2

Ambry Genetics
Classification: Uncertain significance. Last evaluated: 2025-01-22. Review status: criteria provided, single submitter. Criteria: Ambry Variant Classification Scheme 2023. Collection method: clinical testing. Allele origin: germline.

NM_182922.4(HEATR3):c.794C>G (p.Pro265Arg)

Gene: HEATR3 (HEAT repeat containing 3; plus strand). Cytogenetic location: 16q12.1.
Variant type: single nucleotide variant.
Coding change: c.794C>G on transcript NM_182922.4 (MANE Select); coding-DNA position 794, C replaced by G.
Protein change: p.Pro265Arg; replaces proline 265 with arginine.
Molecular consequence: missense variant. On other transcripts: non-coding transcript variant (2).
Genome position (GRCh38, 1-based): chr16:50,078,771, C>G. VCF-style: chr16-50078771-C-G. GRCh37 (hg19) VCF-style: chr16-50112682-C-G.
Other names: c.443C>G, p.Pro148Arg (NM_001329729.2, NM_001329730.2); c.101C>G, p.Pro34Arg (NM_001329731.2); short protein forms P148R, P34R, P265R.
Identifiers: ClinVar variation 3857164 (VCV003857164.7).